The following is an entry in ClinVar:

NM_015021.3(ZNF292):c.3491C>T (p.Ser1164Leu)

Gene: ZNF292 (zinc finger protein 292; plus strand). Cytogenetic location: 6q14.3.
Variant type: single nucleotide variant.
Coding change: c.3491C>T on transcript NM_015021.3 (MANE Select); coding-DNA position 3491, C replaced by T.
Protein change: p.Ser1164Leu; replaces serine 1164 with leucine.
Molecular consequence: missense variant.
Genome position (GRCh38, 1-based): chr6:87,257,120, C>T. VCF-style: chr6-87257120-C-T. GRCh37 (hg19) VCF-style: chr6-87966838-C-T.
Other names: c.3071C>T, p.Ser1024Leu (NM_001351444.2); short protein forms S1024L, S1164L.
Identifiers: ClinVar variation 3895772 (VCV003895772.1).
Genomic context (GRCh38, chr6:87,257,120, plus strand): 5'-ACTTAAATACACCAAATAATGGAAAGTTTGTTTATTTTTTGCCATCACCGGTGAACAGCT[C>T]AAATCCATTTTTTACATCACAGACCAAAGCCAATGGGAATCCTGCTTGTTCGGCCCAGTT-3'
Protein context (NP_055836.1, residues 1154-1174): VYFLPSPVNS[Ser1164Leu]NPFFTSQTKA

ClinVar aggregate classification (germline): Uncertain significance (1 of 4 stars; one submission).

Submission:

Women's Health and Genetics/Laboratory Corporation of America, LabCorp
Classification: Uncertain significance. Last evaluated: 2025-03-07. Review status: criteria provided, single submitter. Criteria: LabCorp Variant Classification Summary - May 2015. Collection method: clinical testing. Allele origin: germline.
Comment: Variant summary: ZNF292 c.3491C>T (p.Ser1164Leu) results in a non-conservative amino acid change in the encoded protein sequence. Four of five in-silico tools predict a benign effect of the variant on protein function. The variant was absent in 248650 control chromosomes. The available data on variant occurrences in the general population are insufficient to allow any conclusion about variant significance. To our knowledge, no occurrence of c.3491C>T in individuals affected with Autosomal Dominant Intellectual Developmental Disorder 64 and no experimental evidence demonstrating its impact on protein function have been reported. No submitters have cited clinical-significance assessments for this variant to ClinVar. Based on the evidence outlined above, the variant was classified as uncertain significance.